The following is an entry in ClinVar:

ClinVar aggregate classification (germline): Benign/Likely benign. Review status: criteria provided, multiple submitters, no conflicts (2 of 4 stars). 6 submissions from 6 submitters: Benign (3); Likely benign (1). 2 of the submissions do not count toward it. Last evaluated 2026-09-01.

Conditions:
PNPT1-related disorder. Also called: PNPT1-related disorders; PNPT1-related condition.

Allele frequency attached by ClinVar (database versions not stated): 1000 Genomes Project 0.00260; 1000 Genomes Project 30x 0.00281; TOPMed 0.00434; ESP Exome Variant Server 0.00445; gnomAD exomes 0.00476; gnomAD 0.00507; ExAC 0.00582.
gnomAD v4.1: 10,089 of 1,588,084 alleles (0.64%); highest among the groups gnomAD compares: Non-Finnish European, 0.76%; 50 homozygotes.

Submissions (6):

CeGaT Center for Human Genetics Tuebingen
Classification: Likely benign. Last evaluated: 2026-09-01. Review status: criteria provided, single submitter. Criteria: CeGaT Center For Human Genetics Tuebingen Variant Classification Criteria Version 2. Collection method: clinical testing. Allele origin: germline. Affected: yes. Observed: 26 variant alleles.
Comment: PNPT1: BP4, BP7, BS2

Labcorp Genetics (formerly Invitae), Labcorp
Classification: Benign. Last evaluated: 2026-02-04. Review status: criteria provided, single submitter. Criteria: Invitae Variant Classification Sherloc (09022015). Collection method: clinical testing. Allele origin: germline.

Athena Diagnostics
Classification: Benign. Last evaluated: 2019-04-17. Review status: criteria provided, single submitter. Criteria: Athena Diagnostics Criteria. Collection method: clinical testing. Allele origin: germline.

GeneDx
Classification: Benign. Last evaluated: 2014-09-05. Review status: criteria provided, single submitter. Criteria: GeneDx Variant Classification (06012015). Collection method: clinical testing. Allele origin: germline. Affected: yes.
Comment: This variant is considered likely benign or benign based on one or more of the following criteria: it is a conservative change, it occurs at a poorly conserved position in the protein, it is predicted to be benign by multiple in silico algorithms, and/or has population frequency not consistent with disease.

PreventionGenetics, part of Exact Sciences
Classification: Likely benign for PNPT1-related condition. Last evaluated: 2019-08-13. Review status: no assertion criteria provided. Collection method: clinical testing. Allele origin: germline. Not counted in ClinVar's aggregate classification.
Comment: This variant is classified as likely benign based on ACMG/AMP sequence variant interpretation guidelines (Richards et al. 2015 PMID: 25741868, with internal and published modifications).

Mayo Clinic Laboratories, Mayo Clinic
Classification: Likely benign. Last evaluated: 2018-03-19. Review status: no assertion criteria provided. Collection method: clinical testing. Allele origin: unknown. Not counted in ClinVar's aggregate classification.

NM_033109.5(PNPT1):c.1251G>A (p.Gly417=)

Gene: PNPT1 (polyribonucleotide nucleotidyltransferase 1; minus strand). Cytogenetic location: 2p16.1.
Variant type: single nucleotide variant.
Coding change: c.1251G>A on transcript NM_033109.5 (MANE Select); coding-DNA position 1251, G replaced by A.
Protein change: p.Gly417=; no amino-acid change (glycine 417 retained).
Molecular consequence: synonymous variant.
Genome position (GRCh38, 1-based): chr2:55,660,190, C>T on the plus strand (G>A on the coding strand, the complement: PNPT1 is on the minus strand). VCF-style: chr2-55660190-C-T. GRCh37 (hg19) VCF-style: chr2-55887325-C-T.
Other names: p.G417G:GGG>GGA.
Identifiers: ClinVar variation 215000 (VCV000215000.58), dbSNP rs146111948, ClinGen allele CA325130.